The following is an entry in ClinVar:

NM_001845.6(COL4A1):c.1000-5T>G

Gene: COL4A1 (collagen type IV alpha 1 chain; minus strand). Cytogenetic location: 13q34.
Variant type: single nucleotide variant.
Coding change: c.1000-5T>G on transcript NM_001845.6 (MANE Select); 5 bases into the intron before coding-DNA position 1000, T replaced by G.
Molecular consequence: intron variant.
Genome position (GRCh38, 1-based): chr13:110,201,527, A>C on the plus strand (T>G on the coding strand, the complement: COL4A1 is on the minus strand). VCF-style: chr13-110201527-A-C. GRCh37 (hg19) VCF-style: chr13-110853874-A-C.
Other names: p.?; c.1000-5T>G (NM_001303110.2).
Identifiers: ClinVar variation 311065 (VCV000311065.58), dbSNP rs75711155, ClinGen allele CA7048113.
Genomic context (GRCh38, chr13:110,201,527, plus strand): 5'-GGAGTTCCAGGGTAGCCCCTCTCTCCTTTTTCTCCCAAAGGTCCTGTGCCTATAACCTGA[A>C]TCGAGAAGGAAAAGGTGATCATCCCGTGGCATGGGAATGGCTAGTCCTGTATAGTAAAGC-3'

ClinVar aggregate classification (germline): Benign/Likely benign. Review status: criteria provided, multiple submitters, no conflicts (2 of 4 stars). 12 submissions from 11 submitters: Benign (4); Likely benign (4). 4 of the submissions do not count toward it. Last evaluated 2026-09-01.

Conditions:
Brain small vessel disease 1 with or without ocular anomalies (BSVD1). Also called: Brain small vessel disease with or without ocular anomalies; BRAIN SMALL VESSEL DISEASE WITH HEMORRHAGE; GOULD SYNDROME 1; PORENCEPHALY, TYPE 1, AUTOSOMAL DOMINANT. Identifiers: Orphanet 2940, Orphanet 36383, Orphanet 99810, MedGen C4755307, MONDO:0008289, OMIM 175780.
COL4A1-related disorder. Also called: COL4A1-related disorders; COL4A1-related condition. Identifiers: MedGen CN376119, MONDO:0800461.
Autosomal dominant familial hematuria-retinal arteriolar tortuosity-contractures syndrome. Also called: Hereditary Angiopathy with Nephropathy, Aneurysms, and Muscle Cramps (HANAC) Syndrome; Angiopathy, hereditary, with nephropathy, aneurysms, and muscle cramps. Identifiers: Orphanet 73229, MedGen C2673195, MONDO:0012726, OMIM 611773.

Allele frequency attached by ClinVar (database versions not stated): 1000 Genomes Project 30x 0.00078; 1000 Genomes Project 0.00100; ExAC 0.00153; gnomAD exomes 0.00153; gnomAD 0.00155; TOPMed 0.00155; ESP Exome Variant Server 0.00192.
gnomAD v4.1: 2,831 of 1,613,776 alleles (0.18%); highest among the groups gnomAD compares: Non-Finnish European, 0.2%; 8 homozygotes.

Submissions (17):

CeGaT Center for Human Genetics Tuebingen
Classification: Likely benign. Last evaluated: 2026-09-01. Review status: criteria provided, single submitter. Criteria: CeGaT Center For Human Genetics Tuebingen Variant Classification Criteria Version 2. Collection method: clinical testing. Allele origin: germline. Affected: yes. Observed: 19 variant alleles.
Comment: COL4A1: BS1

Labcorp Genetics (formerly Invitae), Labcorp
Classification: Benign. Last evaluated: 2026-01-29. Review status: criteria provided, single submitter. Criteria: Invitae Variant Classification Sherloc (09022015). Collection method: clinical testing. Allele origin: germline.

Mayo Clinic Laboratories, Mayo Clinic
Classification: Benign. Last evaluated: 2025-01-14. Review status: criteria provided, single submitter. Criteria: ACMG Guidelines, 2015. Collection method: clinical testing. Allele origin: germline. Observed: 5 variant alleles.
Comment: BS1, BS2

Blueprint Genetics
Classification: Likely benign. Last evaluated: 2024-11-27. Review status: criteria provided, single submitter. Criteria: ACMG Guidelines, 2015. Collection method: clinical testing. Allele origin: germline.

GeneDx
Classification: Likely benign. Last evaluated: 2020-10-09. Review status: criteria provided, single submitter. Criteria: GeneDx Variant Classification Process June 2021. Collection method: clinical testing. Allele origin: germline. Affected: yes.

Eurofins Ntd Llc (ga)
Classification: Likely benign. Last evaluated: 2018-02-27. Review status: criteria provided, single submitter. Criteria: EGL ClinVar v180209 classification definitions. Collection method: clinical testing. Allele origin: germline. Observed: 1 variant allele, 1 heterozygote.

Illumina Laboratory Services, Illumina
Classification: Benign for Autosomal dominant familial hematuria-retinal arteriolar tortuosity-contractures syndrome. Last evaluated: 2018-01-12. Review status: criteria provided, single submitter. Criteria: ICSL Variant Classification Criteria 13 December 2019. Collection method: clinical testing. Allele origin: germline.
Comment: This variant was observed in the ICSL laboratory as part of a predisposition screen in an ostensibly healthy population. It had not been previously curated by ICSL or reported in the Human Gene Mutation Database (HGMD: prior to June 1st, 2018), and was therefore a candidate for classification through an automated scoring system. Utilizing variant allele frequency, disease prevalence and penetrance estimates, and inheritance mode, an automated score was calculated to assess if this variant is too frequent to cause the disease. Based on the score and internal cut-off values, a variant classified as benign is not then subjected to further curation. The score for this variant resulted in a classification of benign for this disease.

Illumina Laboratory Services, Illumina
Classification: Benign for Brain small vessel disease 1 with or without ocular anomalies. Last evaluated: 2018-01-12. Review status: criteria provided, single submitter. Criteria: ICSL Variant Classification Criteria 13 December 2019. Collection method: clinical testing. Allele origin: germline.
Comment: the same text as in the submission from Illumina Laboratory Services, Illumina above.

Clinical Genomics Laboratory, Stanford Medicine
Classification: Uncertain significance for Brain small vessel disease 1 with or without ocular anomalies. Last evaluated: 2020-11-02. Review status: no assertion criteria provided. Collection method: clinical testing. Allele origin: germline. Inheritance: Autosomal dominant inheritance. Affected: yes. Observed: 1 heterozygote. Not counted in ClinVar's aggregate classification.
Comment: The c.1000-5T>G variant in the COL4A1 gene has not been previously reported in association with disease. This variant has been identified in 262/129,188 European chromosomes by the Genome Aggregation Database. This allele frequency is greater than would be expected for COL4A1-associated disorders. The c.1000-5T>G variant occurs in the 3’ splice site and computational tools predict an impact to splicing. However, the accuracy of these computational tools is limited. These data were assessed using the ACMG/AMP variant interpretation guidelines. In summary, the significance of the c.1000-5T>G variant is uncertain due to these conflicting evidences. Additional information is needed to resolve the significance of this variant. [ACMG evidence codes used: PP3; BS1_moderate]

PreventionGenetics, part of Exact Sciences
Classification: Likely benign for COL4A1-related condition. Last evaluated: 2019-05-28. Review status: no assertion criteria provided. Collection method: clinical testing. Allele origin: germline. Not counted in ClinVar's aggregate classification.
Comment: This variant is classified as likely benign based on ACMG/AMP sequence variant interpretation guidelines (Richards et al. 2015 PMID: 25741868, with internal and published modifications).

Diagnostic Laboratory, Department of Genetics, University Medical Center Groningen
Classification: Likely benign. Review status: no assertion criteria provided. Collection method: clinical testing. Allele origin: germline. Affected: yes. Study: VKGL Data-share Consensus. Not counted in ClinVar's aggregate classification.

Dr. Peter K. Rogan Lab, Western University
No classification provided (evidence only). Condition: Clear cell carcinoma of kidney. Review status: no classification provided. Collection method: in vitro. Allele origin: not applicable. Functional consequence: retained intron. Not counted in ClinVar's aggregate classification.

Dr. Peter K. Rogan Lab, Western University
No classification provided (evidence only). Condition: Sarcoma. Review status: no classification provided. Collection method: in vitro. Allele origin: not applicable. Functional consequence: retained intron. Not counted in ClinVar's aggregate classification.

Dr. Peter K. Rogan Lab, Western University
No classification provided (evidence only). Condition: Nonpapillary renal cell carcinoma. Review status: no classification provided. Collection method: in vitro. Allele origin: not applicable. Functional consequence: retained intron. Not counted in ClinVar's aggregate classification.

Dr. Peter K. Rogan Lab, Western University
No classification provided (evidence only). Condition: Thymoma. Review status: no classification provided. Collection method: in vitro. Allele origin: not applicable. Functional consequence: retained intron. Not counted in ClinVar's aggregate classification.

Dr. Peter K. Rogan Lab, Western University
No classification provided (evidence only). Condition: Thymoma. Review status: no classification provided. Collection method: in vitro. Allele origin: not applicable. Functional consequence: retained intron. Not counted in ClinVar's aggregate classification.

Laboratory of Diagnostic Genome Analysis, Leiden University Medical Center (LUMC)
Classification: Likely benign. Review status: no assertion criteria provided. Collection method: clinical testing. Allele origin: germline. Affected: yes. Study: VKGL Data-share Consensus. Not counted in ClinVar's aggregate classification.

Literature cited by the submitters: PubMed 38747114 (cited by Mayo Clinic Laboratories, Mayo Clinic).